The following is an entry in ClinVar:

NM_000211.5(ITGB2):c.1219G>A (p.Val407Ile)

Gene: ITGB2 (integrin subunit beta 2; minus strand). Cytogenetic location: 21q22.3.
Variant type: single nucleotide variant.
Coding change: c.1219G>A on transcript NM_000211.5 (MANE Select); coding-DNA position 1219, G replaced by A.
Protein change: p.Val407Ile; replaces valine 407 with isoleucine.
Molecular consequence: missense variant.
Genome position (GRCh38, 1-based): chr21:44,893,409, C>T on the plus strand (G>A on the coding strand, the complement: ITGB2 is on the minus strand). VCF-style: chr21-44893409-C-T. GRCh37 (hg19) VCF-style: chr21-46313324-C-T.
Other names: c.1219G>A, p.Val407Ile (NM_001127491.3); c.1012G>A, p.Val338Ile (NM_001303238.2); c.1219G>A (NM_000211.3); short protein forms V407I, V338I.
Identifiers: ClinVar variation 1391033 (VCV001391033.6), dbSNP rs1342077214, ClinGen allele CA410485624.

ClinVar aggregate classification (germline): Uncertain significance. Review status: criteria provided, multiple submitters, no conflicts (2 of 4 stars). 2 submissions from 2 submitters: Uncertain significance (2). Last evaluated 2022-05-08.

Conditions:
Inborn genetic diseases. Identifiers: MedGen C0950123, MeSH D030342.
Leukocyte adhesion deficiency 1 (LAD1). Also called: LEUKOCYTE ADHESION DEFICIENCY, TYPE I; LAD 1; Lymphocyte function-associated antigen 1 immunodeficiency; LFA 1 immunodeficiency. Identifiers: Orphanet 2968, Orphanet 99842, MedGen C0398738, MONDO:0007293, OMIM 116920.

Allele frequency attached by ClinVar (database versions not stated): TOPMed below 0.00001; gnomAD exomes 0.00001.
gnomAD v4.1: 8 of 1,613,986 alleles (0.0005%); highest among the groups gnomAD compares: Admixed American, 0.01%; no homozygotes.

Submissions (2):

Labcorp Genetics (formerly Invitae), Labcorp
Classification: Uncertain significance for Leukocyte adhesion deficiency 1. Last evaluated: 2022-05-08. Review status: criteria provided, single submitter. Criteria: Invitae Variant Classification Sherloc (09022015). Collection method: clinical testing. Allele origin: germline.
Comment: This sequence change replaces valine, which is neutral and non-polar, with isoleucine, which is neutral and non-polar, at codon 407 of the ITGB2 protein (p.Val407Ile). This variant is present in population databases (no rsID available, gnomAD 0.009%). This variant has not been reported in the literature in individuals affected with ITGB2-related conditions. Algorithms developed to predict the effect of missense changes on protein structure and function output the following: SIFT: "Tolerated"; PolyPhen-2: "Benign"; Align-GVGD: "Class C0". The isoleucine amino acid residue is found in multiple mammalian species, which suggests that this missense change does not adversely affect protein function. In summary, the available evidence is currently insufficient to determine the role of this variant in disease. Therefore, it has been classified as a Variant of Uncertain Significance.

Ambry Genetics
Classification: Uncertain significance for Inborn genetic diseases. Last evaluated: 2021-09-15. Review status: criteria provided, single submitter. Criteria: Ambry Variant Classification Scheme 2023. Collection method: clinical testing. Allele origin: germline.